The following is an entry in ClinVar:

ClinVar aggregate classification (germline): Uncertain significance (1 of 4 stars; one submission).

Conditions:
Familial thoracic aortic aneurysm and aortic dissection (TAAD). Also called: Thoracic aortic aneurysms and dissections. Identifiers: Orphanet 91387, MedGen C4707243, MONDO:0019625.

Submission:

Ambry Genetics
Classification: Uncertain significance for Familial thoracic aortic aneurysm and aortic dissection. Last evaluated: 2024-10-28. Review status: criteria provided, single submitter. Criteria: Ambry Variant Classification Scheme 2023. Collection method: clinical testing. Allele origin: germline.
Comment: The p.G33D variant (also known as c.98G>A), located in coding exon 1 of the TGFB3 gene, results from a G to A substitution at nucleotide position 98. The glycine at codon 33 is replaced by aspartic acid, an amino acid with similar properties. This amino acid position is conserved. In addition, this alteration is predicted to be tolerated by in silico analysis. Based on the available evidence, the clinical significance of this variant remains unclear.

NM_003239.5(TGFB3):c.98G>A (p.Gly33Asp)

Gene: TGFB3 (transforming growth factor beta 3; minus strand). Cytogenetic location: 14q24.3.
Variant type: single nucleotide variant.
Coding change: c.98G>A on transcript NM_003239.5 (MANE Select); coding-DNA position 98, G replaced by A.
Protein change: p.Gly33Asp; replaces glycine 33 with aspartic acid.
Molecular consequence: missense variant.
Genome position (GRCh38, 1-based): chr14:75,980,796, C>T on the plus strand (G>A on the coding strand, the complement: TGFB3 is on the minus strand). VCF-style: chr14-75980796-C-T. GRCh37 (hg19) VCF-style: chr14-76447139-C-T.
Other names: c.98G>A, p.Gly33Asp (NM_001329938.2, NM_001329939.2); short protein forms G33D.
Identifiers: ClinVar variation 3455815 (VCV003455815.1).